The following is an entry in ClinVar:

NM_003718.5(CDK13):c.499G>A (p.Ala167Thr)

Gene: CDK13 (cyclin dependent kinase 13; plus strand). Cytogenetic location: 7p14.1.
Variant type: single nucleotide variant.
Coding change: c.499G>A on transcript NM_003718.5 (MANE Select); coding-DNA position 499, G replaced by A.
Protein change: p.Ala167Thr; replaces alanine 167 with threonine.
Molecular consequence: missense variant.
Genome position (GRCh38, 1-based): chr7:39,951,140, G>A. VCF-style: chr7-39951140-G-A. GRCh37 (hg19) VCF-style: chr7-39990739-G-A.
Other names: c.499G>A, p.Ala167Thr (NM_031267.4); short protein forms A167T.
Identifiers: ClinVar variation 3234772 (VCV003234772.20), dbSNP rs2116055945, ClinGen allele CA367309869.

ClinVar aggregate classification (germline): Uncertain significance (1 of 4 stars; one submission).

Submission:

CeGaT Center for Human Genetics Tuebingen
Classification: Uncertain significance. Last evaluated: 2024-04-01. Review status: criteria provided, single submitter. Criteria: CeGaT Center For Human Genetics Tuebingen Variant Classification Criteria Version 2. Collection method: clinical testing. Allele origin: germline. Affected: yes. Observed: 1 variant allele.
Comment: CDK13: PM2, PP2